The following is an entry in ClinVar:

ClinVar aggregate classification (germline): Uncertain significance (1 of 4 stars; one submission).

Conditions:
Cardiovascular phenotype. Identifiers: MedGen CN230736.

Submission:

Ambry Genetics
Classification: Uncertain significance for Cardiovascular phenotype. Last evaluated: 2024-11-10. Review status: criteria provided, single submitter. Criteria: Ambry Variant Classification Scheme 2023. Collection method: clinical testing. Allele origin: germline.
Comment: The p.L339R variant (also known as c.1016T>G), located in coding exon 7 of the LMF1 gene, results from a T to G substitution at nucleotide position 1016. The leucine at codon 339 is replaced by arginine, an amino acid with dissimilar properties. This amino acid position is conserved. In addition, this alteration is predicted to be tolerated by in silico analysis. Based on the available evidence, the clinical significance of this variant remains unclear.

NM_022773.4(LMF1):c.1016T>G (p.Leu339Arg)

Gene: LMF1 (lipase maturation factor 1; minus strand). Cytogenetic location: 16p13.3.
Variant type: single nucleotide variant.
Coding change: c.1016T>G on transcript NM_022773.4 (MANE Select); coding-DNA position 1016, T replaced by G.
Protein change: p.Leu339Arg; replaces leucine 339 with arginine.
Molecular consequence: missense variant. On other transcripts: non-coding transcript variant (1).
Genome position (GRCh38, 1-based): chr16:871,223, A>C on the plus strand (T>G on the coding strand, the complement: LMF1 is on the minus strand). VCF-style: chr16-871223-A-C. GRCh37 (hg19) VCF-style: chr16-921223-A-C.
Other names: c.365T>G, p.Leu122Arg (NM_001352017.2, NM_001352021.2); c.617T>G, p.Leu206Arg (NM_001352018.2); c.689T>G, p.Leu230Arg (NM_001352019.2); c.1016T>G, p.Leu339Arg (NM_001352020.1); short protein forms L339R, L122R, L230R, L206R.
Identifiers: ClinVar variation 3538674 (VCV003538674.1).